The following is an entry in ClinVar:

ClinVar aggregate classification (germline): Uncertain significance. Review status: criteria provided, multiple submitters, no conflicts (2 of 4 stars). 2 submissions from 2 submitters: Uncertain significance (2). Last evaluated 2024-04-10.

Conditions:
Fanconi anemia complementation group J. Also called: BRIP1-Related Fanconi Anemia. Identifiers: Orphanet 84, MedGen C1836860, MONDO:0012187, OMIM 609054.
Familial cancer of breast. Also called: BREAST CANCER, FAMILIAL; Hereditary breast cancer; hereditary breast carcinoma. Identifiers: Orphanet 227535, MedGen C0346153, MONDO:0016419, OMIM 114480. Disease mechanism: loss of function.
Hereditary cancer-predisposing syndrome. Also called: Tumor predisposition; Neoplastic Syndromes, Hereditary; Hereditary Cancer Syndrome; Hereditary neoplastic syndrome. Identifiers: Orphanet 140162, MedGen C0027672, MeSH D009386, MONDO:0015356.

Submissions (2):

Labcorp Genetics (formerly Invitae), Labcorp
Classification: Uncertain significance for Familial cancer of breast; Fanconi anemia complementation group J. Last evaluated: 2024-04-10. Review status: criteria provided, single submitter. Criteria: Invitae Variant Classification Sherloc (09022015). Collection method: clinical testing. Allele origin: germline.
Comment: This sequence change replaces glycine, which is neutral and non-polar, with glutamic acid, which is acidic and polar, at codon 569 of the BRIP1 protein (p.Gly569Glu). This variant is not present in population databases (gnomAD no frequency). This variant has not been reported in the literature in individuals affected with BRIP1-related conditions. ClinVar contains an entry for this variant (Variation ID: 1778456). Algorithms developed to predict the effect of missense changes on protein structure and function output the following: SIFT: "Not Available"; PolyPhen-2: "Benign"; Align-GVGD: "Not Available". The glutamic acid amino acid residue is found in multiple mammalian species, which suggests that this missense change does not adversely affect protein function. In summary, the available evidence is currently insufficient to determine the role of this variant in disease. Therefore, it has been classified as a Variant of Uncertain Significance.

Ambry Genetics
Classification: Uncertain significance for Hereditary cancer-predisposing syndrome. Last evaluated: 2019-07-22. Review status: criteria provided, single submitter. Criteria: Ambry Variant Classification Scheme 2023. Collection method: clinical testing. Allele origin: germline.
Comment: The p.G569E variant (also known as c.1706G>A), located in coding exon 11 of the BRIP1 gene, results from a G to A substitution at nucleotide position 1706. The glycine at codon 569 is replaced by glutamic acid, an amino acid with similar properties. This amino acid position is not well conserved in available vertebrate species. In addition, this alteration is predicted to be tolerated by in silico analysis. Since supporting evidence is limited at this time, the clinical significance of this alteration remains unclear.

NM_032043.3(BRIP1):c.1706G>A (p.Gly569Glu)

Gene: BRIP1 (BRCA1 interacting DNA helicase 1; minus strand). Cytogenetic location: 17q23.2.
Variant type: single nucleotide variant.
Coding change: c.1706G>A on transcript NM_032043.3 (MANE Select); coding-DNA position 1706, G replaced by A.
Protein change: p.Gly569Glu; replaces glycine 569 with glutamic acid.
Molecular consequence: missense variant.
Genome position (GRCh38, 1-based): chr17:61,780,928, C>T on the plus strand (G>A on the coding strand, the complement: BRIP1 is on the minus strand). VCF-style: chr17-61780928-C-T. GRCh37 (hg19) VCF-style: chr17-59858289-C-T.
Other names: short protein forms G569E.
Identifiers: ClinVar variation 1778456 (VCV001778456.5), dbSNP rs373228183, ClinGen allele CA400480420.